The following is an entry in ClinVar:

NM_001267550.2(TTN):c.86822-3T>C

Genes: TTN (titin; minus strand), TTN-AS1 (TTN antisense RNA 1; plus strand). Cytogenetic location: 2q31.2.
Variant type: single nucleotide variant.
Coding change: c.86822-3T>C on transcript NM_001267550.2 (MANE Select); 3 bases into the intron before coding-DNA position 86822, T replaced by C.
Molecular consequence: intron variant.
Genome position (GRCh38, 1-based): chr2:178,558,640, A>G on the plus strand (T>C on the coding strand, the complement: TTN is on the minus strand). VCF-style: chr2-178558640-A-G. GRCh37 (hg19) VCF-style: chr2-179423367-A-G.
Other names: c.59627-3T>C (NM_003319.4); c.60203-3T>C (NM_133437.4); c.60002-3T>C (NM_133432.3); c.79118-3T>C (NM_133378.4); c.81899-3T>C (NM_001256850.1).
Identifiers: ClinVar variation 4193800 (VCV004193800.1).
Genomic context (GRCh38, chr2:178,558,640, plus strand): 5'-GAAACACTGTCTTTGGATATACTTGTTACTCCAAGTTTTTCAGGTGGGCTTGGTTTTTCT[A>G]AGAAAACAAAGCATCAAAAGAAAGTGAATAATTATTACAGCACTTTTAAATGTGCACTCT-3'

ClinVar aggregate classification (germline): Uncertain significance (1 of 4 stars; one submission).

Conditions:
Cardiovascular phenotype. Identifiers: MedGen CN230736.

gnomAD v4.1: 1 of 1,609,408 alleles (0.000062%); highest among the groups gnomAD compares: Non-Finnish European, 0.000085%; no homozygotes.

Submission:

Ambry Genetics
Classification: Uncertain significance for Cardiovascular phenotype. Last evaluated: 2025-09-05. Review status: criteria provided, single submitter. Criteria: Ambry Variant Classification Scheme 2023. Collection method: clinical testing. Allele origin: germline.
Comment: The c.59627-3T>C intronic variant results from a T to C substitution 3 nucleotides upstream from coding exon 154 in the TTN gene. This nucleotide position is not well conserved in available vertebrate species. In silico splice site analysis predicts that this alteration will not have any significant effect on splicing. Based on the available evidence, the clinical significance of this variant remains unclear.